The following is an entry in ClinVar:

NM_198239.2(CCN6):c.707del (p.Ser236fs)

Gene: CCN6 (cellular communication network factor 6; plus strand). Cytogenetic location: 6q21.
Variant type: Deletion.
Coding change: c.707del on transcript NM_198239.2 (MANE Select); coding-DNA position 707, one base deleted (G; older notation c.707delG).
Protein change: p.Ser236fs; shifts the reading frame from serine 236.
Molecular consequence: frameshift variant. On other transcripts: non-coding transcript variant (2).
Genome position (GRCh38, 1-based): chr6:112,068,322, G deleted. VCF-style (leftmost placement, unchanged base first): chr6-112068321-AG-A. GRCh37 (hg19) VCF-style: chr6-112389524-AG-A.
Other names: c.707del, p.Ser236fs (NM_003880.4); short protein forms S236fs.
Identifiers: ClinVar variation 817946 (VCV000817946.10), dbSNP rs1583586843, ClinGen allele CA915942779.

ClinVar aggregate classification (germline): Pathogenic. Review status: criteria provided, multiple submitters, no conflicts (2 of 4 stars). 4 submissions from 4 submitters: Pathogenic (4). Last evaluated 2023-04-04.

Conditions:
Progressive pseudorheumatoid dysplasia (PPRD). Also called: SPONDYLOEPIPHYSEAL DYSPLASIA TARDA WITH PROGRESSIVE ARTHROPATHY; Progressive Pseudorheumatoid Arthropathy of Childhood. Identifiers: Orphanet 1159, MedGen C0432215, MONDO:0008827, OMIM 208230. Disease mechanism: loss of function.

Allele frequency attached by ClinVar (database versions not stated): gnomAD 0.00001; TOPMed 0.00001.

Submissions (4):

Labcorp Genetics (formerly Invitae), Labcorp
Classification: Pathogenic. Last evaluated: 2023-04-04. Review status: criteria provided, single submitter. Criteria: Invitae Variant Classification Sherloc (09022015). Collection method: clinical testing. Allele origin: germline.
Comment: This sequence change creates a premature translational stop signal (p.Ser236Thrfs*5) in the WISP3 gene. It is expected to result in an absent or disrupted protein product. Loss-of-function variants in WISP3 are known to be pathogenic (PMID: 22791401). This variant is not present in population databases (gnomAD no frequency). For these reasons, this variant has been classified as Pathogenic. ClinVar contains an entry for this variant (Variation ID: 817946). This premature translational stop signal has been observed in individual(s) with WISP3-related conditions (PMID: 32382396).

Dubai Health Genomic Medicine Center, Dubai Health
Classification: Pathogenic for Progressive pseudorheumatoid dysplasia. Last evaluated: 2020-10-04. Review status: criteria provided, single submitter. Criteria: ACMG Guidelines, 2015. Collection method: clinical testing. Allele origin: germline. Affected: yes.

GeneDx
Classification: Pathogenic. Last evaluated: 2019-01-03. Review status: criteria provided, single submitter. Criteria: GeneDx Variant Classification (06012015). Collection method: clinical testing. Allele origin: germline. Affected: yes.
Comment: The c.707delG variant in the WISP3 gene has not been reported previously as a pathogenic variant nor as a benign variant, to our knowledge. The c.707delG variant causes a frameshift starting with codon Serine 236 changes this amino acid to a Threonine residue, and creates a premature Stop codon at position 5 of the new reading frame, denoted p.Ser236ThrfsX5. This variant is predicted to cause loss of normal protein function either through protein truncation or nonsense-mediated mRNA decay. The c.707delG variant is not observed in large population cohorts (Lek et al., 2016). We interpret c.707delG as a pathogenic variant.

Clinical Genetics Service, Universitary Hospital 12 de Octubre
Classification: Pathogenic for Progressive pseudorheumatoid dysplasia. Review status: criteria provided, single submitter. Criteria: ACMG Guidelines, 2015. Collection method: clinical testing. Allele origin: germline. Affected: yes.

Literature cited by the submitters: PubMed 22791401 (cited by Labcorp Genetics (formerly Invitae), Labcorp); PubMed 32382396 (cited by Labcorp Genetics (formerly Invitae), Labcorp).